The following is an entry in ClinVar:

NM_024422.6(DSC2):c.351A>G (p.Thr117=)

Gene: DSC2 (desmocollin 2; minus strand). Cytogenetic location: 18q12.1.
Variant type: single nucleotide variant.
Coding change: c.351A>G on transcript NM_024422.6 (MANE Select); coding-DNA position 351, A replaced by G.
Protein change: p.Thr117=; no amino-acid change (threonine 117 retained).
Molecular consequence: synonymous variant.
Genome position (GRCh38, 1-based): chr18:31,092,104, T>C on the plus strand (A>G on the coding strand, the complement: DSC2 is on the minus strand). VCF-style: chr18-31092104-T-C. GRCh37 (hg19) VCF-style: chr18-28672067-T-C.
Other names: p.Thr117=; c.351A>G, p.Thr117= (NM_004949.5).
Identifiers: ClinVar variation 46188 (VCV000046188.74), dbSNP rs117812913, ClinGen allele CA022811.

ClinVar aggregate classification (germline): Benign/Likely benign. Review status: criteria provided, multiple submitters, no conflicts (2 of 4 stars). 18 submissions from 18 submitters: Benign (12); Likely benign (3). 3 of the submissions do not count toward it. Last evaluated 2026-10-01.

Conditions:
Cardiovascular phenotype. Identifiers: MedGen CN230736.
Cardiomyopathy (CMYO). Also called: Cardiomyopathies. Identifiers: Orphanet 167848, MedGen C0878544, MONDO:0004994, HP:0001638. Inheritance: Various modes of inheritance.
Arrhythmogenic right ventricular dysplasia 11. Also called: Arrhythmogenic right ventricular dysplasia 11 with mild palmoplantar keratoderma and woolly hair; Arrhythmogenic Right Ventricular Dysplasia/Cardiomyopathy11; ARRHYTHMOGENIC RIGHT VENTRICULAR DYSPLASIA, FAMILIAL, 11. Identifiers: MedGen C1864850, MONDO:0012506, OMIM 610476.

Allele frequency attached by ClinVar (database versions not stated): 1000 Genomes Project 30x 0.00375; 1000 Genomes Project 0.00379; TOPMed 0.00614; gnomAD exomes 0.00837 and 0.00954; gnomAD 0.00832 and 0.00805; ESP Exome Variant Server 0.00816; ExAC 0.00883.
gnomAD v4.1: 15,062 of 1,611,618 alleles (0.93%); highest among the groups gnomAD compares: Non-Finnish European, 1.1%; 98 homozygotes.

Submissions (18):

CeGaT Center for Human Genetics Tuebingen
Classification: Benign. Last evaluated: 2026-10-01. Review status: criteria provided, single submitter. Criteria: CeGaT Center For Human Genetics Tuebingen Variant Classification Criteria Version 2. Collection method: clinical testing. Allele origin: germline. Affected: yes. Observed: 62 variant alleles.
Comment: DSC2: BP4, BP7, BS1, BS2

Labcorp Genetics (formerly Invitae), Labcorp
Classification: Benign for Arrhythmogenic right ventricular dysplasia 11. Last evaluated: 2026-02-03. Review status: criteria provided, single submitter. Criteria: Invitae Variant Classification Sherloc (09022015). Collection method: clinical testing. Allele origin: germline.

ARUP Laboratories, Molecular Genetics and Genomics, ARUP Laboratories
Classification: Benign. Last evaluated: 2025-05-19. Review status: criteria provided, single submitter. Criteria: ARUP Molecular Germline Variant Investigation Process 2024. Collection method: clinical testing. Allele origin: germline.

Molecular Diagnostic Laboratory for Inherited Cardiovascular Disease, Montreal Heart Institute
Classification: Benign. Last evaluated: 2025-04-08. Review status: criteria provided, single submitter. Criteria: ACMG Guidelines, 2015. Collection method: clinical testing. Allele origin: germline. Affected: no.

Blueprint Genetics
Classification: Benign. Last evaluated: 2024-11-28. Review status: criteria provided, single submitter. Criteria: ACMG Guidelines, 2015. Collection method: clinical testing. Allele origin: germline.

Color Diagnostics, LLC DBA Color Health
Classification: Benign for Cardiomyopathy. Last evaluated: 2018-03-08. Review status: criteria provided, single submitter. Criteria: ACMG Guidelines, 2015. Collection method: clinical testing. Allele origin: germline.

Illumina Laboratory Services, Illumina
Classification: Likely benign for Arrhythmogenic right ventricular dysplasia 11. Last evaluated: 2018-01-13. Review status: criteria provided, single submitter. Criteria: ICSL Variant Classification Criteria 13 December 2019. Collection method: clinical testing. Allele origin: germline.
Comment: This variant was observed in the ICSL laboratory as part of a predisposition screen in an ostensibly healthy population. It had not been previously curated by ICSL or reported in the Human Gene Mutation Database (HGMD: prior to June 1st, 2018), and was therefore a candidate for classification through an automated scoring system. Utilizing variant allele frequency, disease prevalence and penetrance estimates, and inheritance mode, an automated score was calculated to assess if this variant is too frequent to cause the disease. Based on the score and internal cut-off values, a variant classified as likely benign is not then subjected to further curation. The score for this variant resulted in a classification of likely benign for this disease.

Mayo Clinic Laboratories, Mayo Clinic
Classification: Benign. Last evaluated: 2016-09-21. Review status: criteria provided, single submitter. Criteria: ACMG Guidelines, 2015. Collection method: clinical testing. Allele origin: germline. Observed: 28 variant alleles.

CHEO Genetics Diagnostic Laboratory, Children's Hospital of Eastern Ontario
Classification: Benign for Cardiomyopathy. Last evaluated: 2016-03-18. Review status: criteria provided, single submitter. Criteria: ACMG Guidelines, 2015. Collection method: clinical testing. Allele origin: germline. Study: Canadian Open Genetics Repository.

Clinical Genetics DNA and cytogenetics Diagnostics Lab, Erasmus MC, Erasmus Medical Center
Classification: Benign for Arrhythmogenic right ventricular dysplasia 11. Last evaluated: 2015-09-21. Review status: criteria provided, single submitter. Criteria: ACGS Guidelines, 2013. Collection method: clinical testing. Allele origin: germline. Affected: yes. Study: VKGL Data-share Consensus.

Ambry Genetics
Classification: Benign for Cardiovascular phenotype. Last evaluated: 2015-05-18. Review status: criteria provided, single submitter. Criteria: Ambry Variant Classification Scheme 2023. Collection method: clinical testing. Allele origin: germline.

GeneDx
Classification: Benign. Last evaluated: 2015-03-03. Review status: criteria provided, single submitter. Criteria: GeneDx Variant Classification Process June 2021. Collection method: clinical testing. Allele origin: germline. Affected: yes.

Genome Diagnostics Laboratory, University Medical Center Utrecht
Classification: Likely benign for Arrhythmogenic right ventricular dysplasia 11. Last evaluated: 2014-10-10. Review status: criteria provided, single submitter. Criteria: ACGS Guidelines, 2013. Collection method: clinical testing. Allele origin: germline. Affected: yes. Study: VKGL Data-share Consensus.

Laboratory for Molecular Medicine, Mass General Brigham Personalized Medicine
Classification: Benign. Last evaluated: 2012-05-23. Review status: criteria provided, single submitter. Criteria: LMM Criteria. Collection method: clinical testing. Allele origin: germline. Observed: 29 variant alleles.
Comment: Thr117Thr in Exon 03 of DSC2: This variant is not expected to have clinical sign ificance because it does not alter an amino acid residue, is not located within the splice consensus sequence and has been identified in 1.2% (81/7016) of Europ ean American chromosomes from a broad population by the NHLBI Exome Sequencing P roject (dbSNP rs117812913).

Breakthrough Genomics
Classification: Likely benign. Review status: criteria provided, single submitter. Criteria: ACMG Guidelines, 2015. Collection method: not provided. Allele origin: germline. Inheritance: Autosomal dominant inheritance. Affected: yes.

Clinical Genetics, Academic Medical Center
Classification: Benign. Review status: no assertion criteria provided. Collection method: clinical testing. Allele origin: germline. Affected: yes. Study: VKGL Data-share Consensus. Not counted in ClinVar's aggregate classification.

Diagnostic Laboratory, Department of Genetics, University Medical Center Groningen
Classification: Benign for Arrhythmogenic right ventricular dysplasia 11. Review status: no assertion criteria provided. Collection method: clinical testing. Allele origin: germline. Affected: yes. Study: VKGL Data-share Consensus. Not counted in ClinVar's aggregate classification.

Joint Genome Diagnostic Labs from Nijmegen and Maastricht, Radboudumc and MUMC+
Classification: Benign. Review status: no assertion criteria provided. Collection method: clinical testing. Allele origin: germline. Affected: yes. Study: VKGL Data-share Consensus. Not counted in ClinVar's aggregate classification.

Literature cited by the submitters: PubMed 18678517 (cited by Laboratory for Molecular Medicine, Mass General Brigham Personalized Medicine).